The following is an entry in ClinVar:

NM_000541.5(SAG):c.1047-5del

Gene: SAG (S-antigen visual arrestin; plus strand). Cytogenetic location: 2q37.1.
Variant type: Deletion.
Coding change: c.1047-5del on transcript NM_000541.5 (MANE Select); 5 bases into the intron before coding-DNA position 1047, one base deleted (T; older notation c.1047-5delT).
Molecular consequence: intron variant.
Genome position (GRCh38, 1-based): chr2:233,342,266, T deleted; the last of 7 consecutive T bases (chr2:233,342,260-233,342,266); deleting any one gives the same sequence. VCF-style (leftmost placement, unchanged base first): chr2-233342259-CT-C. GRCh37 (hg19) VCF-style: chr2-234250905-CT-C.
Other names: NC_000002.11:g.234250912del; c.1047-5delT (NM_000541.4).
Identifiers: ClinVar variation 1622824 (VCV001622824.10), dbSNP rs779561506, ClinGen allele CA2174660.
Genomic context (GRCh38, chr2:233,342,259, plus strand): 5'-CATAGGTCTTTGCTGTGTTACTTACAATTGTGTGTATGGGTGTTCACACCAATCTTCATT[CT>C]TTTTTTCTAGTGAAGTCGCCACTGAGGTCCCATTCCGCCTCATGCACCCTCAGCCTGAGG-3'

ClinVar aggregate classification (germline): Benign/Likely benign. Review status: criteria provided, multiple submitters, no conflicts (2 of 4 stars). 2 submissions from 2 submitters: Benign (1); Likely benign (1). Last evaluated 2026-01-15.

Conditions:
SAG-related disorder. Also called: SAG-related condition; SAG-related disorders.

Submissions (3):

PreventionGenetics, part of Exact Sciences
Classification: Likely benign for SAG-related condition. Last evaluated: 2026-01-15. Review status: criteria provided, single submitter. Criteria: ACMG Guidelines, 2015. Collection method: clinical testing. Allele origin: germline.
Comment: This variant is classified as likely benign based on ACMG/AMP sequence variant interpretation guidelines (Richards et al. 2015 PMID: 25741868, with internal and published modifications).

Labcorp Genetics (formerly Invitae), Labcorp
Classification: Benign. Last evaluated: 2024-10-18. Review status: criteria provided, single submitter. Criteria: Invitae Variant Classification Sherloc (09022015). Collection method: clinical testing. Allele origin: germline.

Dr. Peter K. Rogan Lab, Western University
No classification provided (evidence only). Condition: Colon adenocarcinoma. Review status: no classification provided. Collection method: in vitro. Allele origin: not applicable. Functional consequence: retained intron. Not counted in ClinVar's aggregate classification.